The following is an entry in ClinVar:

ClinVar aggregate classification (germline): Uncertain significance (1 of 4 stars; one submission).

Submission:

CeGaT Center for Human Genetics Tuebingen
Classification: Uncertain significance. Last evaluated: 2025-12-01. Review status: criteria provided, single submitter. Criteria: CeGaT Center For Human Genetics Tuebingen Variant Classification Criteria Version 2. Collection method: clinical testing. Allele origin: germline. Affected: yes. Observed: 1 variant allele.
Comment: YARS2: PM2

NM_001040436.3(YARS2):c.694C>T (p.Leu232Phe)

Gene: YARS2 (tyrosyl-tRNA synthetase 2; minus strand). Cytogenetic location: 12p11.21.
Variant type: single nucleotide variant.
Coding change: c.694C>T on transcript NM_001040436.3 (MANE Select); coding-DNA position 694, C replaced by T.
Protein change: p.Leu232Phe; replaces leucine 232 with phenylalanine.
Molecular consequence: missense variant.
Genome position (GRCh38, 1-based): chr12:32,755,181, G>A on the plus strand (C>T on the coding strand, the complement: YARS2 is on the minus strand). VCF-style: chr12-32755181-G-A. GRCh37 (hg19) VCF-style: chr12-32908115-G-A.
Other names: short protein forms L232F.
Identifiers: ClinVar variation 4681776 (VCV004681776.5).